The following is an entry in ClinVar:

ClinVar aggregate classification (germline): Uncertain significance (1 of 4 stars; one submission).

Conditions:
Cardiovascular phenotype. Identifiers: MedGen CN230736.

gnomAD v4.1: 7 of 1,614,042 alleles (0.00043%); highest among the groups gnomAD compares: East Asian, 0.0089%; no homozygotes.

Submission:

Ambry Genetics
Classification: Uncertain significance for Cardiovascular phenotype. Last evaluated: 2020-10-02. Review status: criteria provided, single submitter. Criteria: Ambry Variant Classification Scheme 2023. Collection method: clinical testing. Allele origin: germline.
Comment: The p.V3029I variant (also known as c.9085G>A), located in coding exon 26 of the APOB gene, results from a G to A substitution at nucleotide position 9085. The valine at codon 3029 is replaced by isoleucine, an amino acid with highly similar properties. This amino acid position is not well conserved in available vertebrate species. In addition, this alteration is predicted to be tolerated by in silico analysis. Since supporting evidence is limited at this time, the clinical significance of this alteration remains unclear.

NM_000384.3(APOB):c.9085G>A (p.Val3029Ile)

Gene: APOB (apolipoprotein B; minus strand). Cytogenetic location: 2p24.1.
Variant type: single nucleotide variant.
Coding change: c.9085G>A on transcript NM_000384.3 (MANE Select); coding-DNA position 9085, G replaced by A.
Protein change: p.Val3029Ile; replaces valine 3029 with isoleucine.
Molecular consequence: missense variant.
Genome position (GRCh38, 1-based): chr2:21,007,783, C>T on the plus strand (G>A on the coding strand, the complement: APOB is on the minus strand). VCF-style: chr2-21007783-C-T. GRCh37 (hg19) VCF-style: chr2-21230655-C-T.
Other names: short protein forms V3029I.
Identifiers: ClinVar variation 1765720 (VCV001765720.2), dbSNP rs375828269, ClinGen allele CA43499289.
Genomic context (GRCh38, chr2:21,007,783, plus strand): 5'-ATGCCGTGATCTCAAATGGCTGGGCTGAAAAGAAAAGAGAATTTTTCAAAGTTCCAATAA[C>T]CTTTCCATTTAAATGAGCATCATGCCTCCCAGTAAACTCTGCCTTCCCTTCTCCAAACAG-3'
Protein context (NP_000375.3, residues 3019-3039): GRHDAHLNGK[Val3029Ile]IGTLKNSLFF